The following is an entry in ClinVar:

NM_001845.6(COL4A1):c.4756C>T (p.His1586Tyr)

Gene: COL4A1 (collagen type IV alpha 1 chain; minus strand). Cytogenetic location: 13q34.
Variant type: single nucleotide variant.
Coding change: c.4756C>T on transcript NM_001845.6 (MANE Select); coding-DNA position 4756, C replaced by T.
Protein change: p.His1586Tyr; replaces histidine 1586 with tyrosine.
Molecular consequence: missense variant.
Genome position (GRCh38, 1-based): chr13:110,152,506, G>A on the plus strand (C>T on the coding strand, the complement: COL4A1 is on the minus strand). VCF-style: chr13-110152506-G-A. GRCh37 (hg19) VCF-style: chr13-110804853-G-A.
Other names: short protein forms H1586Y.
Identifiers: ClinVar variation 1407968 (VCV001407968.8), dbSNP rs1876551770, ClinGen allele CA388654977.

ClinVar aggregate classification (germline): Uncertain significance (1 of 4 stars; one submission).

Allele frequency attached by ClinVar (database versions not stated): gnomAD exomes below 0.00001; gnomAD 0.00001.
gnomAD v4.1: 3 of 1,610,452 alleles (0.00019%); highest among the groups gnomAD compares: Admixed American, 0.0033%; no homozygotes.

Submission:

Labcorp Genetics (formerly Invitae), Labcorp
Classification: Uncertain significance. Last evaluated: 2025-06-11. Review status: criteria provided, single submitter. Criteria: Invitae Variant Classification Sherloc (09022015). Collection method: clinical testing. Allele origin: germline.
Comment: This sequence change replaces histidine, which is basic and polar, with tyrosine, which is neutral and polar, at codon 1586 of the COL4A1 protein (p.His1586Tyr). This variant is not present in population databases (gnomAD no frequency). This variant has not been reported in the literature in individuals affected with COL4A1-related conditions. ClinVar contains an entry for this variant (Variation ID: 1407968). Experimental studies and prediction algorithms are not available or were not evaluated, and the functional significance of this variant is currently unknown. This variant disrupts the p.His1586 amino acid residue in COL4A1. Other variant(s) that disrupt this residue have been determined to be pathogenic (PMID: 32515830). This suggests that this residue is clinically significant, and that variants that disrupt this residue are likely to be disease-causing. In summary, the available evidence is currently insufficient to determine the role of this variant in disease. Therefore, it has been classified as a Variant of Uncertain Significance.

Literature cited by the submitters: PubMed 32515830.